The following is an entry in ClinVar:

NM_078470.6(COX15):c.287G>T (p.Gly96Val)

Gene: COX15 (cytochrome c oxidase assembly factor COX15; minus strand). Cytogenetic location: 10q24.2.
Variant type: single nucleotide variant.
Coding change: c.287G>T on transcript NM_078470.6 (MANE Select); coding-DNA position 287, G replaced by T.
Protein change: p.Gly96Val; replaces glycine 96 with valine.
Molecular consequence: missense variant. On other transcripts: 5 prime UTR variant (1), non-coding transcript variant (1).
Genome position (GRCh38, 1-based): chr10:99,727,549, C>A on the plus strand (G>T on the coding strand, the complement: COX15 is on the minus strand). VCF-style: chr10-99727549-C-A. GRCh37 (hg19) VCF-style: chr10-101487306-C-A.
Other names: c.287G>T, p.Gly96Val (NM_001320974.2, NM_001320975.2, NM_001372024.1 and 5 more transcripts); c.-168G>T (NM_001320976.2); short protein forms G96V.
Identifiers: ClinVar variation 1499491 (VCV001499491.7), dbSNP rs771992107, ClinGen allele CA5642302.

ClinVar aggregate classification (germline): Conflicting classifications of pathogenicity. Review status: criteria provided, conflicting classifications (1 of 4 stars). 2 submissions from 2 submitters: Likely pathogenic (1); Uncertain significance (1). Last evaluated 2022-06-27.

Conditions:
Cardioencephalomyopathy, fatal infantile, due to cytochrome c oxidase deficiency 2 (MC4DN6). Also called: MITOCHONDRIAL COMPLEX IV DEFICIENCY, NUCLEAR TYPE 6. Identifiers: Orphanet 1561, MedGen C3554534, MONDO:0014051, OMIM 615119.

Allele frequency attached by ClinVar (database versions not stated): gnomAD exomes below 0.00001 and 0.00002; ExAC 0.00001.
gnomAD v4.1: 37 of 1,613,636 alleles (0.0023%); highest among the groups gnomAD compares: Non-Finnish European, 0.003%; no homozygotes.

Submissions (2):

Labcorp Genetics (formerly Invitae), Labcorp
Classification: Uncertain significance. Last evaluated: 2022-06-27. Review status: criteria provided, single submitter. Criteria: Invitae Variant Classification Sherloc (09022015). Collection method: clinical testing. Allele origin: germline.
Comment: In summary, the available evidence is currently insufficient to determine the role of this variant in disease. Therefore, it has been classified as a Variant of Uncertain Significance. Algorithms developed to predict the effect of sequence changes on RNA splicing suggest that this variant may create or strengthen a splice site. Algorithms developed to predict the effect of missense changes on protein structure and function are either unavailable or do not agree on the potential impact of this missense change (SIFT: "Not Available"; PolyPhen-2: "Probably Damaging"; Align-GVGD: "Not Available"). This variant has not been reported in the literature in individuals affected with COX15-related conditions. This variant is present in population databases (rs771992107, gnomAD 0.0009%). This sequence change replaces glycine, which is neutral and non-polar, with valine, which is neutral and non-polar, at codon 96 of the COX15 protein (p.Gly96Val).

Victorian Clinical Genetics Services, Murdoch Childrens Research Institute
Classification: Likely pathogenic for Cardioencephalomyopathy, fatal infantile, due to cytochrome c oxidase deficiency 2. Last evaluated: 2021-05-06. Review status: criteria provided, single submitter. Criteria: ACMG Guidelines, 2015. Collection method: clinical testing. Allele origin: germline. Inheritance: Autosomal recessive inheritance. Affected: yes.
Comment: Based on the classification scheme VCGS_Germline_v1.3.4, this variant is classified as Likely pathogenic. Following criteria are met: 0102 - Loss of function is a known mechanism of disease in this gene and is associated with Leigh syndrome due to cytochrome c oxidase deficiency (MIM#256000). (I) 0106 - This gene is associated with autosomal recessive disease. (I) 0200 - Variant is predicted to result in a missense amino acid change from glycine to valine. (I) 0251 - This variant is heterozygous. (I) 0304 - Variant is present in gnomAD (v2) <0.01 for a recessive condition (1 heterozygote, 0 homozygotes). (SP) 0501 - Missense variant consistently predicted to be damaging by multiple in silico tools or highly conserved with a major amino acid change. (SP) 0600 - Variant is located in the annotated cytochrome oxidase assembly protein (PDB). (I) 0705 - No comparable missense variants have previous evidence for pathogenicity. (I) 0807 - This variant has no previous evidence of pathogenicity. (I) 0905 - No published segregation evidence has been identified for this variant. (I) 1001 - This variant has strong functional evidence supporting abnormal protein function. Functional studies have clearly demonstrated a significant reduction in complex IV in patient fibroblasts (Prof. D. Thorburn, personal communication). (SP) 1201 - Heterozygous variant detected in trans with a second likely pathogenic heterozygous variant (p.(Phe280Ser)) in a recessive disease. (I) Legend: (SP) - Supporting pathogenic, (I) - Information, (SB) - Supporting benign